The following is an entry in ClinVar:

ClinVar aggregate classification (germline): Conflicting classifications of pathogenicity. Review status: criteria provided, conflicting classifications (1 of 4 stars). 7 submissions from 7 submitters: Uncertain significance (1); Likely benign (6). Last evaluated 2026-01-14.

Conditions:
Focal segmental glomerulosclerosis 5 (FSGS5). Identifiers: Orphanet 656, MedGen C2750475, MONDO:0013191, OMIM 613237.
INF2-related disorder. Also called: INF2-related condition.
Inborn genetic diseases. Identifiers: MedGen C0950123, MeSH D030342.
Charcot-Marie-Tooth disease dominant intermediate E. Also called: CHARCOT-MARIE-TOOTH NEUROPATHY WITH FOCAL SEGMENTAL GLOMERULONEPHRITIS. Identifiers: Orphanet 93114, MedGen C4302667, MONDO:0013758, OMIM 614455.

Allele frequency attached by ClinVar (database versions not stated): ESP Exome Variant Server 0.00008; gnomAD 0.00016 and 0.00020; ExAC 0.00017; gnomAD exomes 0.00020 and 0.00023; TOPMed 0.00020.
gnomAD v4.1: 397 of 1,612,126 alleles (0.025%); highest among the groups gnomAD compares: Middle Eastern, 1.3%; 6 homozygotes.

Submissions (7):

Labcorp Genetics (formerly Invitae), Labcorp
Classification: Uncertain significance for Charcot-Marie-Tooth disease dominant intermediate E; Focal segmental glomerulosclerosis 5. Last evaluated: 2026-01-14. Review status: criteria provided, single submitter. Criteria: Invitae Variant Classification Sherloc (09022015). Collection method: clinical testing. Allele origin: germline.
Comment: This sequence change replaces isoleucine, which is neutral and non-polar, with valine, which is neutral and non-polar, at codon 685 of the INF2 protein (p.Ile685Val). This variant is present in population databases (rs199526439, gnomAD 0.03%). This missense change has been observed in individual(s) with steroid-resistant nephrotic syndrome (PMID: 23349334, 23515051). ClinVar contains an entry for this variant (Variation ID: 312700). An algorithm developed to predict the effect of missense changes on protein structure and function outputs the following: PolyPhen-2: "Not Available". The valine amino acid residue is found in multiple mammalian species, which suggests that this missense change does not adversely affect protein function. In summary, the available evidence is currently insufficient to determine the role of this variant in disease. Therefore, it has been classified as a Variant of Uncertain Significance.

Mayo Clinic Laboratories, Mayo Clinic
Classification: Likely benign. Last evaluated: 2025-09-03. Review status: criteria provided, single submitter. Criteria: ACMG Guidelines, 2015. Collection method: clinical testing. Allele origin: germline. Observed: 3 variant alleles.
Comment: BS1, BP4_moderate

PreventionGenetics, part of Exact Sciences
Classification: Likely benign for INF2-related condition. Last evaluated: 2025-05-27. Review status: criteria provided, single submitter. Criteria: ACMG Guidelines, 2015. Collection method: clinical testing. Allele origin: germline.
Comment: This variant is classified as likely benign based on ACMG/AMP sequence variant interpretation guidelines (Richards et al. 2015 PMID: 25741868, with internal and published modifications).

Blueprint Genetics
Classification: Likely benign. Last evaluated: 2024-11-22. Review status: criteria provided, single submitter. Criteria: ACMG Guidelines, 2015. Collection method: clinical testing. Allele origin: germline.

Ambry Genetics
Classification: Likely benign for Inborn genetic diseases. Last evaluated: 2022-02-03. Review status: criteria provided, single submitter. Criteria: Ambry Variant Classification Scheme 2023. Collection method: clinical testing. Allele origin: germline.

GeneDx
Classification: Likely benign. Last evaluated: 2020-12-24. Review status: criteria provided, single submitter. Criteria: GeneDx Variant Classification Process June 2021. Collection method: clinical testing. Allele origin: germline. Affected: yes.
Comment: This variant is associated with the following publications: (PMID: 23349334, 32451589, 32444357)

Illumina Laboratory Services, Illumina
Classification: Likely benign for Focal segmental glomerulosclerosis 5. Last evaluated: 2017-04-28. Review status: criteria provided, single submitter. Criteria: ICSL Variant Classification Criteria 13 December 2019. Collection method: clinical testing. Allele origin: germline.
Comment: This variant was observed as part of a predisposition screen in an ostensibly healthy population. A literature search was performed for the gene, cDNA change, and amino acid change (where applicable). Publications were found based on this search. The evidence from the literature, in combination with allele frequency data from public databases where available, was sufficient to determine this variant is unlikely to cause disease. Therefore, this variant is classified as likely benign.

Literature cited by the submitters: PubMed 23349334 (cited by 3 submitters); PubMed 23515051 (cited by 3 submitters); PubMed 32444357 (cited by Mayo Clinic Laboratories, Mayo Clinic).

NM_022489.4(INF2):c.2053A>G (p.Ile685Val)

Gene: INF2 (inverted formin 2; plus strand). Cytogenetic location: 14q32.33.
Variant type: single nucleotide variant.
Coding change: c.2053A>G on transcript NM_022489.4 (MANE Select); coding-DNA position 2053, A replaced by G.
Protein change: p.Ile685Val; replaces isoleucine 685 with valine.
Molecular consequence: missense variant.
Genome position (GRCh38, 1-based): chr14:104,709,620, A>G. VCF-style: chr14-104709620-A-G. GRCh37 (hg19) VCF-style: chr14-105175957-A-G.
Other names: c.2053A>G, p.Ile685Val (NM_001031714.4); short protein forms I685V.
Identifiers: ClinVar variation 312700 (VCV000312700.25), dbSNP rs199526439, ClinGen allele CA7372814.